The following is an entry in ClinVar:

ClinVar aggregate classification (germline): Uncertain significance (1 of 4 stars; one submission).

Submission:

Labcorp Genetics (formerly Invitae), Labcorp
Classification: Uncertain significance. Last evaluated: 2022-02-23. Review status: criteria provided, single submitter. Criteria: Invitae Variant Classification Sherloc (09022015). Collection method: clinical testing. Allele origin: germline.
Comment: This sequence change affects a donor splice site in intron 18 of the NEDD4L gene. It is expected to disrupt RNA splicing. Variants that disrupt the donor or acceptor splice site typically lead to a loss of protein function (PMID: 16199547), however the current clinical and genetic evidence is not sufficient to establish whether loss-of-function variants in NEDD4L cause disease. In summary, the available evidence is currently insufficient to determine the role of this variant in disease. Therefore, it has been classified as a Variant of Uncertain Significance. Algorithms developed to predict the effect of sequence changes on RNA splicing suggest that this variant may disrupt the consensus splice site. ClinVar contains an entry for this variant (Variation ID: 1046658). This variant has not been reported in the literature in individuals affected with NEDD4L-related conditions. This variant is not present in population databases (gnomAD no frequency).

Literature cited by the submitters: PubMed 16199547.

NM_001144967.3(NEDD4L):c.1767+1G>A

Gene: NEDD4L (NEDD4 like E3 ubiquitin protein ligase; plus strand). Cytogenetic location: 18q21.31.
Variant type: single nucleotide variant.
Coding change: c.1767+1G>A on transcript NM_001144967.3 (MANE Select); the canonical splice donor site of the intron after coding-DNA position 1767, G replaced by A.
Molecular consequence: splice donor variant.
Genome position (GRCh38, 1-based): chr18:58,357,253, G>A. VCF-style: chr18-58357253-G-A. GRCh37 (hg19) VCF-style: chr18-56024485-G-A.
Other names: c.1707+1G>A (NM_015277.6); c.1575+1G>A (NM_001243960.2); c.1404+1G>A (NM_001144964.1, NM_001144965.2, NM_001144966.3); c.1344+1G>A (NM_001144971.2, NM_001144970.3); c.1743+1G>A (NM_001144968.2); c.1683+1G>A (NM_001144969.2).
Identifiers: ClinVar variation 1046658 (VCV001046658.7), dbSNP rs2044797438, ClinGen allele CA402543183.
Genomic context (GRCh38, chr18:58,357,253, plus strand): 5'-GATAGCAAAATTACTCAGTGGGAAGACCCAAGACTGCAGAACCCAGCTATTACTGGTCCG[G>A]TCAGTATTTTCAAATTCTGCCTCTTCAGTATAAGATTTTGGTTACGTGTTTACGTGTTTC-3'